The following is an entry in ClinVar:

NM_138773.4(SLC25A46):c.938_940del (p.Tyr313del)

Gene: SLC25A46 (solute carrier family 25 member 46; plus strand). Cytogenetic location: 5q22.1.
Variant type: Deletion.
Coding change: c.938_940del on transcript NM_138773.4 (MANE Select); coding-DNA positions 938 to 940, 3 bases deleted (ATT; older notation c.938_940delATT).
Protein change: p.Tyr313del; deletes tyrosine 313.
Molecular consequence: inframe deletion. On other transcripts: non-coding transcript variant (1).
Genome position (GRCh38, 1-based): chr5:110,761,463-110,761,465, ATT deleted; deleting any 3 consecutive bases within chr5:110,761,461-110,761,465 gives the same sequence; the c. name uses the placement nearest the transcript's 3' end. VCF-style (leftmost placement, unchanged base first): chr5-110761460-CTTA-C. GRCh37 (hg19) VCF-style: chr5-110097160-CTTA-C.
Other names: p.Tyr313del; c.695_697del, p.Tyr232del (NM_001303249.3); c.665_667del, p.Tyr222del (NM_001303250.3); short protein forms Y222del, Y232del, Y313del.
Identifiers: ClinVar variation 644999 (VCV000644999.20), dbSNP rs374899270, ClinGen allele CA3364780.

ClinVar aggregate classification (germline): Uncertain significance. Review status: criteria provided, multiple submitters, no conflicts (2 of 4 stars). 5 submissions from 5 submitters: Uncertain significance (5). Last evaluated 2025-10-17.

Conditions:
Inborn genetic diseases. Identifiers: MedGen C0950123, MeSH D030342.
Neuropathy, hereditary motor and sensory, type 6B (HMSN6B). Also called: HMSN VIB; CHARCOT-MARIE-TOOTH DISEASE, TYPE 6B; Neuropathy, hereditary motor and sensory, type VIB; NEUROPATHY, HEREDITARY MOTOR AND SENSORY, TYPE VIB, WITH OPTIC ATROPHY. Identifiers: MedGen C4225302, MONDO:0014671, OMIM 616505.

Submissions (5):

Mayo Clinic Laboratories, Mayo Clinic
Classification: Uncertain significance. Last evaluated: 2025-10-17. Review status: criteria provided, single submitter. Criteria: ACMG Guidelines, 2015. Collection method: clinical testing. Allele origin: germline. Observed: 1 variant allele.
Comment: PM2_supporting, PM4

Blueprint Genetics
Classification: Uncertain significance. Last evaluated: 2024-11-06. Review status: criteria provided, single submitter. Criteria: ACMG Guidelines, 2015. Collection method: clinical testing. Allele origin: germline.

CeGaT Center for Human Genetics Tuebingen
Classification: Uncertain significance. Last evaluated: 2024-11-01. Review status: criteria provided, single submitter. Criteria: CeGaT Center For Human Genetics Tuebingen Variant Classification Criteria Version 2. Collection method: clinical testing. Allele origin: germline. Affected: yes. Observed: 1 variant allele.
Comment: SLC25A46: PM2, PM4:Supporting

Labcorp Genetics (formerly Invitae), Labcorp
Classification: Uncertain significance for Neuropathy, hereditary motor and sensory, type 6B. Last evaluated: 2022-04-20. Review status: criteria provided, single submitter. Criteria: Invitae Variant Classification Sherloc (09022015). Collection method: clinical testing. Allele origin: germline.
Comment: This variant, c.938_940del, results in the deletion of 1 amino acid(s) of the SLC25A46 protein (p.Tyr313del), but otherwise preserves the integrity of the reading frame. This variant is present in population databases (rs768345785, gnomAD 0.007%). This variant has not been reported in the literature in individuals affected with SLC25A46-related conditions. ClinVar contains an entry for this variant (Variation ID: 644999). Experimental studies and prediction algorithms are not available or were not evaluated, and the functional significance of this variant is currently unknown. In summary, the available evidence is currently insufficient to determine the role of this variant in disease. Therefore, it has been classified as a Variant of Uncertain Significance.

Ambry Genetics
Classification: Uncertain significance for Inborn genetic diseases. Last evaluated: 2021-03-26. Review status: criteria provided, single submitter. Criteria: Ambry Variant Classification Scheme 2023. Collection method: clinical testing. Allele origin: germline.
Comment: The c.938_940delATT variant (also known as p.Y313del) is located in coding exon 8 of the SLC25A46 gene. This variant results from an in-frame ATT deletion at nucleotide positions 938 to 940. This results in the in-frame deletion of a tyrosine at codon 313. This amino acid position is highly conserved in available vertebrate species. In addition, this alteration is predicted to be deleterious by in silico analysis (Choi Y et al. PLoS ONE. 2012; 7(10):e46688). Since supporting evidence is limited at this time, the clinical significance of this alteration remains unclear.